The following is an entry in ClinVar:

NM_001366722.1(GRIP1):c.1456C>T (p.Gln486Ter)

Gene: GRIP1 (glutamate receptor interacting protein 1; minus strand). Cytogenetic location: 12q14.3.
Variant type: single nucleotide variant.
Coding change: c.1456C>T on transcript NM_001366722.1 (MANE Select); coding-DNA position 1456, C replaced by T.
Protein change: p.Gln486Ter; replaces glutamine 486 with a stop codon.
Molecular consequence: nonsense.
Genome position (GRCh38, 1-based): chr12:66,445,407, G>A on the plus strand (C>T on the coding strand, the complement: GRIP1 is on the minus strand). VCF-style: chr12-66445407-G-A. GRCh37 (hg19) VCF-style: chr12-66839187-G-A.
Other names: c.1300C>T, p.Gln434Ter (NM_001178074.2, NM_001379351.1, NM_021150.4); c.1375C>T, p.Gln459Ter (NM_001366723.1, NM_001379348.1); c.1378C>T, p.Gln460Ter (NM_001366724.1, NM_001379347.1); c.1534C>T, p.Gln512Ter (NM_001379345.1); c.1456C>T, p.Gln486Ter (NM_001379346.1, NM_001439323.1); c.1303C>T, p.Gln435Ter (NM_001379349.1); c.1459C>T, p.Gln487Ter (NM_001439322.1); short protein forms Q434*, Q435*, Q459*, Q460*, Q486*, Q487*, Q512*.
Identifiers: ClinVar variation 5012979 (VCV005012979.1).
Genomic context (GRCh38, chr12:66,445,407, plus strand): 5'-TATAGGAAATCAGAGGTGGAGAAGAGAGAGTTTCTGTGGCAAACACACTGCCCTGCAGTT[G>A]GATCCCAAATCCTGTGACAGGATCTGCCGTCAGCACAACCTCTGTGGTTTCTGTGTGAAC-3'

ClinVar aggregate classification (germline): Pathogenic (1 of 4 stars; one submission).

Conditions:
Fraser syndrome 3. Identifiers: MedGen C4540040, MONDO:0054739, OMIM 617667.

Submission:

Myriad Genetics, Inc.
Classification: Pathogenic for Fraser syndrome 3. Last evaluated: 2024-05-01. Review status: criteria provided, single submitter. Criteria: Myriad Autosomal Dominant, Autosomal Recessive and X-Linked Classification Criteria (2023). Collection method: clinical testing. Allele origin: unknown.
Comment: NM_021150.3(GRIP1):c.1300C>T(Q434*) is expected to be pathogenic in the context of Fraser syndrome, GRIP1-related. This variant is predicted to lead to an abnormal or absent protein product due to the creation of a premature termination codon in GRIP1, a gene where loss-of-function variants are known to be pathogenic. Please note: this variant was assessed in the context of healthy population screening.